The following is an entry in ClinVar:

ClinVar aggregate classification (germline): Benign. Review status: criteria provided, multiple submitters, no conflicts (2 of 4 stars). 3 submissions from 3 submitters: Benign (3). Last evaluated 2025-12-31.

Conditions:
Pseudohypoaldosteronism type 2D (PHA2D). Also called: FAMILIAL HYPERKALEMIC HYPERTENSION; PSEUDOHYPOALDOSTERONISM, TYPE IID, AUTOSOMAL DOMINANT OR RECESSIVE; Pseudohypoaldosteronism Type IID. Identifiers: Orphanet 300525, Orphanet 757, MedGen C3469605, MONDO:0013781, OMIM 614495.

Allele frequency attached by ClinVar (database versions not stated): gnomAD 0.00095 and 0.00125; TOPMed 0.00277; 1000 Genomes Project 30x 0.00609; 1000 Genomes Project 0.00659.

Submissions (3):

Labcorp Genetics (formerly Invitae), Labcorp
Classification: Benign. Last evaluated: 2025-12-31. Review status: criteria provided, single submitter. Criteria: Invitae Variant Classification Sherloc (09022015). Collection method: clinical testing. Allele origin: germline.

Fulgent Genetics
Classification: Benign for Pseudohypoaldosteronism type 2D. Last evaluated: 2021-08-05. Review status: criteria provided, single submitter. Criteria: ACMG Guidelines, 2015. Collection method: clinical testing. Allele origin: unknown.

Illumina Laboratory Services, Illumina
Classification: Benign for Pseudohypoaldosteronism type 2D. Last evaluated: 2018-01-13. Review status: criteria provided, single submitter. Criteria: ICSL Variant Classification Criteria 13 December 2019. Collection method: clinical testing. Allele origin: germline.
Comment: This variant was observed in the ICSL laboratory as part of a predisposition screen in an ostensibly healthy population. It had not been previously curated by ICSL or reported in the Human Gene Mutation Database (HGMD: prior to June 1st, 2018), and was therefore a candidate for classification through an automated scoring system. Utilizing variant allele frequency, disease prevalence and penetrance estimates, and inheritance mode, an automated score was calculated to assess if this variant is too frequent to cause the disease. Based on the score and internal cut-off values, a variant classified as benign is not then subjected to further curation. The score for this variant resulted in a classification of benign for this disease.

NM_017415.3(KLHL3):c.838C>T (p.Leu280=)

Gene: KLHL3 (kelch like family member 3; minus strand). Cytogenetic location: 5q31.2.
Variant type: single nucleotide variant.
Coding change: c.838C>T on transcript NM_017415.3 (MANE Select); coding-DNA position 838, C replaced by T.
Protein change: p.Leu280=; no amino-acid change (leucine 280 retained).
Molecular consequence: synonymous variant.
Genome position (GRCh38, 1-based): chr5:137,658,196, G>A on the plus strand (C>T on the coding strand, the complement: KLHL3 is on the minus strand). VCF-style: chr5-137658196-G-A. GRCh37 (hg19) VCF-style: chr5-136993885-G-A.
Other names: c.742C>T, p.Leu248= (NM_001257194.1); c.592C>T, p.Leu198= (NM_001257195.2).
Identifiers: ClinVar variation 350991 (VCV000350991.15), dbSNP rs138650966, ClinGen allele CA3422383.